The following is an entry in ClinVar:

NM_001184880.2(PCDH19):c.2381A>C (p.Glu794Ala)

Genes: PCDH19 (protocadherin 19; minus strand), LOC125467768 (CDK7 strongly-dependent group 2 enhancer GRCh37_chrX:99657381-99658580; plus strand). Cytogenetic location: Xq22.1.
Variant type: single nucleotide variant.
Coding change: c.2381A>C on transcript NM_001184880.2 (MANE Select); coding-DNA position 2381, A replaced by C.
Protein change: p.Glu794Ala; replaces glutamic acid 794 with alanine.
Molecular consequence: missense variant.
Genome position (GRCh38, 1-based): chrX:100,402,759, T>G on the plus strand (A>C on the coding strand, the complement: PCDH19 is on the minus strand). VCF-style: chrX-100402759-T-G. GRCh37 (hg19) VCF-style: chrX-99657757-T-G.
Other names: c.2240A>C, p.Glu747Ala (NM_001105243.2, NM_020766.3); short protein forms E794A, E747A.
Identifiers: ClinVar variation 1419045 (VCV001419045.6), dbSNP rs1226080727, ClinGen allele CA414006034.
Genomic context (GRCh38, chrX:100,402,759, plus strand): 5'-AAATAGTTGAGGGAGGAGGTCAGGGAAGAGCAACTGACAACGTTCATCTTGTCTGTCTCC[T>G]CCACATCCCGGGGTACCAGGCGGATGTCATTCTTACTGATTTTTTTCTTCTTGCTTGATT-3'
Protein context (NP_001171809.1, residues 784-804): NDIRLVPRDV[Glu794Ala]ETDKMNVVSC

ClinVar aggregate classification (germline): Uncertain significance (1 of 4 stars; one submission).

Conditions:
Developmental and epileptic encephalopathy, 9 (DEE9). Also called: Early infantile epileptic encephalopathy 9; JUBERG-HELLMAN SYNDROME; EPILEPSY, FEMALE-RESTRICTED, WITH MENTAL RETARDATION; PCDH19-Related X-Linked Female-Limited Epilepsy with Mental Retardation. Identifiers: Orphanet 101039, Orphanet 2076, MedGen C1848137, MONDO:0010246, OMIM 300088. Disease mechanism: loss of function.

Allele frequency attached by ClinVar (database versions not stated): gnomAD exomes 0.00001.

Submission:

Labcorp Genetics (formerly Invitae), Labcorp
Classification: Uncertain significance for Developmental and epileptic encephalopathy, 9. Last evaluated: 2023-11-27. Review status: criteria provided, single submitter. Criteria: Invitae Variant Classification Sherloc (09022015). Collection method: clinical testing. Allele origin: germline.
Comment: This sequence change replaces glutamic acid, which is acidic and polar, with alanine, which is neutral and non-polar, at codon 794 of the PCDH19 protein (p.Glu794Ala). This variant is present in population databases (no rsID available, gnomAD 0.004%). This variant has not been reported in the literature in individuals affected with PCDH19-related conditions. ClinVar contains an entry for this variant (Variation ID: 1419045). Advanced modeling of protein sequence and biophysical properties (such as structural, functional, and spatial information, amino acid conservation, physicochemical variation, residue mobility, and thermodynamic stability) has been performed at Invitae for this missense variant, however the output from this modeling did not meet the statistical confidence thresholds required to predict the impact of this variant on PCDH19 protein function. In summary, the available evidence is currently insufficient to determine the role of this variant in disease. Therefore, it has been classified as a Variant of Uncertain Significance.